The following is an entry in ClinVar:

ClinVar aggregate classification (germline): Uncertain significance (1 of 4 stars; one submission).

Conditions:
Hypertrophic cardiomyopathy. Also called: HYPERTROPHIC MYOCARDIOPATHY. Identifiers: Orphanet 217569, MedGen C0007194, MeSH D002312, MONDO:0005045, HP:0001639.
Primary dilated cardiomyopathy (DCM). Also called: Dilated Cardiomyopathy. Identifiers: Orphanet 217604, MedGen C0007193, MeSH D002311, MONDO:0005021, HP:0001644. Inheritance: Various modes of inheritance.

Allele frequency attached by ClinVar (database versions not stated): gnomAD exomes below 0.00001 and 0.00001; TOPMed below 0.00001; ExAC 0.00001.
gnomAD v4.1: 19 of 1,614,210 alleles (0.0012%); highest among the groups gnomAD compares: Non-Finnish European, 0.0016%; no homozygotes.

Submission:

Labcorp Genetics (formerly Invitae), Labcorp
Classification: Uncertain significance for Hypertrophic cardiomyopathy; Primary dilated cardiomyopathy. Last evaluated: 2019-05-16. Review status: criteria provided, single submitter. Criteria: Invitae Variant Classification Sherloc (09022015). Collection method: clinical testing. Allele origin: germline.
Comment: This sequence change affects an acceptor splice site in intron 3 of the PDLIM3 gene. It is expected to disrupt RNA splicing and likely results in an absent or disrupted protein product. This variant is present in population databases (rs745661778, ExAC 0.001%). This variant has not been reported in the literature in individuals with PDLIM3-related conditions. Algorithms developed to predict the effect of sequence changes on RNA splicing suggest that this variant may disrupt the consensus splice site, but this prediction has not been confirmed by published transcriptional studies. The current clinical and genetic evidence is not sufficient to establish whether loss-of-function variants in PDLIM3 cause disease. In summary, the available evidence is currently insufficient to determine the role of this variant in disease. Therefore, it has been classified as a Variant of Uncertain Significance.

NM_014476.6(PDLIM3):c.331-1G>A

Genes: PDLIM3 (PDZ and LIM domain 3; minus strand), LOC126807246 (BRD4-independent group 4 enhancer GRCh37_chr4:186434842-186436041; plus strand). Cytogenetic location: 4q35.1.
Variant type: single nucleotide variant.
Coding change: c.331-1G>A on transcript NM_014476.6 (MANE Select); the canonical splice acceptor site of the intron before coding-DNA position 331, G replaced by A.
Molecular consequence: splice acceptor variant. On other transcripts: intron variant (1).
Genome position (GRCh38, 1-based): chr4:185,514,338, C>T on the plus strand (G>A on the coding strand, the complement: PDLIM3 is on the minus strand). VCF-style: chr4-185514338-C-T. GRCh37 (hg19) VCF-style: chr4-186435492-C-T.
Other names: c.94-1G>A (NM_001257963.2); c.331-1G>A (NM_001257962.2); c.518+365G>A (NM_001114107.5).
Identifiers: ClinVar variation 835479 (VCV000835479.8), dbSNP rs745661778, ClinGen allele CA3159815.
Genomic context (GRCh38, chr4:185,514,338, plus strand): 5'-GCCCGGGATCACGAAAGGTTTGGGCCGAATATTATGCTTGTGTTCAAAGTAGTTCCCGTC[C>T]TGTGAAAACAAAGCGTTAAAAAGGCCCTCAGTGGAAGGCGGACACTGTTGCAGATAAGAT-3'